The following is an entry in ClinVar:

NM_000287.4(PEX6):c.1382C>G (p.Thr461Arg)

Gene: PEX6 (peroxisomal biogenesis factor 6; minus strand). Cytogenetic location: 6p21.1.
Variant type: single nucleotide variant.
Coding change: c.1382C>G on transcript NM_000287.4 (MANE Select); coding-DNA position 1382, C replaced by G.
Protein change: p.Thr461Arg; replaces threonine 461 with arginine.
Molecular consequence: missense variant. On other transcripts: non-coding transcript variant (1).
Genome position (GRCh38, 1-based): chr6:42,968,971, G>C on the plus strand (C>G on the coding strand, the complement: PEX6 is on the minus strand). VCF-style: chr6-42968971-G-C. GRCh37 (hg19) VCF-style: chr6-42936709-G-C.
Other names: c.1118C>G, p.Thr373Arg (NM_001316313.2); short protein forms T373R, T461R.
Identifiers: ClinVar variation 1506503 (VCV001506503.6), dbSNP rs2114246115, ClinGen allele CA364155447.

ClinVar aggregate classification (germline): Uncertain significance (1 of 4 stars; one submission).

Conditions:
Peroxisome biogenesis disorder. Identifiers: Orphanet 79189, MedGen C1832200, MONDO:0019234. Disease mechanism: loss of function.

Allele frequency attached by ClinVar (database versions not stated): gnomAD exomes below 0.00001.
gnomAD v4.1: 1 of 1,613,066 alleles (0.000062%); highest among the groups gnomAD compares: Non-Finnish European, 0.000085%; no homozygotes.

Submission:

Labcorp Genetics (formerly Invitae), Labcorp
Classification: Uncertain significance for Peroxisome biogenesis disorder. Last evaluated: 2024-08-06. Review status: criteria provided, single submitter. Criteria: Invitae Variant Classification Sherloc (09022015). Collection method: clinical testing. Allele origin: germline.
Comment: This sequence change replaces threonine, which is neutral and polar, with arginine, which is basic and polar, at codon 461 of the PEX6 protein (p.Thr461Arg). This variant is not present in population databases (gnomAD no frequency). This variant has not been reported in the literature in individuals affected with PEX6-related conditions. ClinVar contains an entry for this variant (Variation ID: 1506503). Advanced modeling of protein sequence and biophysical properties (such as structural, functional, and spatial information, amino acid conservation, physicochemical variation, residue mobility, and thermodynamic stability) performed at Invitae indicates that this missense variant is not expected to disrupt PEX6 protein function with a negative predictive value of 95%. In summary, the available evidence is currently insufficient to determine the role of this variant in disease. Therefore, it has been classified as a Variant of Uncertain Significance.